The following is an entry in ClinVar:

ClinVar aggregate classification (germline): Pathogenic (1 of 4 stars; one submission).

Submission:

Quest Diagnostics Nichols Institute San Juan Capistrano
Classification: Pathogenic. Last evaluated: 2022-09-07. Review status: criteria provided, single submitter. Criteria: ACMG/ClinGen CNV Guidelines, 2019. Collection method: clinical testing. Allele origin: unknown.
Comment: This gain of 1q21.1q21.2 is associated with chromosome 1q21.1 duplication syndrome (OMIM 612475). De novo and inherited duplications of the 1q21.1 region have been associated with a broad range of features, and duplications are significantly enriched in schizophrenia and tetralogy of Fallot (TOF) cases compared with controls (Mefford 2008, Brunetti-Pierri 2008, Soemedi 2012, Dolcetti 2013, Digilio 2013, Bernier 2016, Wang 2017). Incomplete penetrance and variable expressivity have been demonstrated for duplication of this region. There are no similar copy number gains of this region in the general populations of the Database of Genomic Variants. Thus, based on current medical literature and gene content, this copy number variant (CNV) is classified as pathogenic. References: Bernier et al., Genet Med. 2016 Apr;18(4):341-9. PMID: 26066539 Brunetti-Pierri et al., Nat Genet. 2008 Dec;40(12):1466-71. PMID: 19029900 Digilio et al., Eur J Med Genet. 2013 Mar;56(3):144-9. PMID: 23270675 Dolcetti et al., Genet Med. 2013 Apr;15(4):282-9. PMID: 23018752 Mefford et al., N Engl J Med. 2008 Oct 16;359(16):1685-99. PMID: 18784092 Soemedi et al., Hum Mol Genet. 2012 Apr 1;21(7):1513-20. PMID: 22199024 Wang et al., J Gene Med. 2017 Apr;19(4):e2948. PMID: 28220983

GRCh37/hg19 1q21.1-21.2(chr1:146043714-147819815)x3

Genes: ACP6 (acid phosphatase 6, lysophosphatidic; minus strand), BCL9 (BCL9 transcription coactivator; plus strand), CHD1L (chromodomain helicase DNA binding protein 1 like; plus strand), FMO5 (flavin containing dimethylaniline monoxygenase 5; minus strand), GJA5 (gap junction protein alpha 5; minus strand) and 5 more. Cytogenetic location: 1q21.1-21.2.
Variant type: copy number gain.
Change: copy number 3 (three copies instead of two) of chr1:146,043,714-147,819,815 (1.78 Mb, GRCh37 coordinates, 1-based), cytogenetic band 1q21.1-21.2.
Identifiers: ClinVar variation 2685825 (VCV002685825.1).